The following is an entry in ClinVar:

ClinVar aggregate classification (germline): Uncertain significance (1 of 4 stars; one submission).

Conditions:
Familial hypocalciuric hypercalcemia (FHH). Also called: Familial benign hypercalcemia. Identifiers: Orphanet 405, MedGen C1809471, MONDO:0018458.
Autosomal dominant hypocalcemia 1 (HYPOC1). Also called: HYPOCALCEMIA, FAMILIAL. Identifiers: MedGen C3715128, MONDO:0011013, OMIM 601198.

Submission:

Labcorp Genetics (formerly Invitae), Labcorp
Classification: Uncertain significance for Familial hypocalciuric hypercalcemia; Autosomal dominant hypocalcemia 1. Last evaluated: 2025-11-04. Review status: criteria provided, single submitter. Criteria: Invitae Variant Classification Sherloc (09022015). Collection method: clinical testing. Allele origin: germline.
Comment: This sequence change replaces asparagine, which is neutral and polar, with lysine, which is basic and polar, at codon 82 of the CASR protein (p.Asn82Lys). This variant is not present in population databases (gnomAD no frequency). This missense change has been observed in individual(s) with familial hypocalciuric hypercalcemia (PMID: 26963950, 31433865). ClinVar contains an entry for this variant (Variation ID: 2925356). An algorithm developed to predict the effect of missense changes on protein structure and function (PolyPhen-2) suggests that this variant is likely to be disruptive. In summary, the available evidence is currently insufficient to determine the role of this variant in disease. Therefore, it has been classified as a Variant of Uncertain Significance.

Literature cited by the submitters: PubMed 26963950; PubMed 31433865.

NM_000388.4(CASR):c.246C>G (p.Asn82Lys)

Gene: CASR (calcium sensing receptor; plus strand). Cytogenetic location: 3q21.1.
Variant type: single nucleotide variant.
Coding change: c.246C>G on transcript NM_000388.4 (MANE Select); coding-DNA position 246, C replaced by G.
Protein change: p.Asn82Lys; replaces asparagine 82 with lysine.
Molecular consequence: missense variant.
Genome position (GRCh38, 1-based): chr3:122,257,141, C>G. VCF-style: chr3-122257141-C-G. GRCh37 (hg19) VCF-style: chr3-121975988-C-G.
Other names: c.246C>G, p.Asn82Lys (NM_001178065.2); short protein forms N82K.
Identifiers: ClinVar variation 2925356 (VCV002925356.3), dbSNP rs1284199644, ClinGen allele CA354362480.